The following is an entry in ClinVar:

ClinVar aggregate classification (germline): Likely benign. Review status: criteria provided, single submitter (1 of 4 stars). 2 submissions from 2 submitters: Likely benign (1). 1 of the submissions does not count toward it. Last evaluated 2024-11-13.

Conditions:
NOP56-related disorder. Also called: NOP56-related condition.

Allele frequency attached by ClinVar (database versions not stated): ExAC 0.00049; gnomAD 0.00156; TOPMed 0.00176; 1000 Genomes Project 0.00180; ESP Exome Variant Server 0.00185; 1000 Genomes Project 30x 0.00203.

Submissions (2):

Blueprint Genetics
Classification: Likely benign. Last evaluated: 2024-11-13. Review status: criteria provided, single submitter. Criteria: ACMG Guidelines, 2015. Collection method: clinical testing. Allele origin: germline.

PreventionGenetics, part of Exact Sciences
Classification: Likely benign for NOP56-related condition. Last evaluated: 2019-10-28. Review status: no assertion criteria provided. Collection method: clinical testing. Allele origin: germline. Not counted in ClinVar's aggregate classification.
Comment: This variant is classified as likely benign based on ACMG/AMP sequence variant interpretation guidelines (Richards et al. 2015 PMID: 25741868, with internal and published modifications).

NM_006392.4(NOP56):c.306C>T (p.Ala102=)

Gene: NOP56 (NOP56 ribonucleoprotein; plus strand). Cytogenetic location: 20p13.
Variant type: single nucleotide variant.
Coding change: c.306C>T on transcript NM_006392.4 (MANE Select); coding-DNA position 306, C replaced by T.
Protein change: p.Ala102=; no amino-acid change (alanine 102 retained).
Molecular consequence: synonymous variant. On other transcripts: non-coding transcript variant (2).
Genome position (GRCh38, 1-based): chr20:2,654,511, C>T. VCF-style: chr20-2654511-C-T. GRCh37 (hg19) VCF-style: chr20-2635157-C-T.
Identifiers: ClinVar variation 3046241 (VCV003046241.3), dbSNP rs144743768, ClinGen allele CA9734346.
Genomic context (GRCh38, chr20:2,654,511, plus strand): 5'-CCACCTGCCGTCCAAAAAGAAGAAAGTACTCTTGGGAGTTGGGGATCCCAAGATTGGTGC[C>T]GCAATACAGGAGGAGTTAGGGTACAACTGCCAGACTGGAGGAGTCATAGCTGAGATCCTG-3'
Protein context (NP_006383.2, residues 92-112): LLGVGDPKIG[Ala102=]AIQEELGYNC